The following is an entry in ClinVar:

NM_001458.5(FLNC):c.1374C>T (p.Pro458=)

Gene: FLNC (filamin C; plus strand). Cytogenetic location: 7q32.1.
Variant type: single nucleotide variant.
Coding change: c.1374C>T on transcript NM_001458.5 (MANE Select); coding-DNA position 1374, C replaced by T.
Protein change: p.Pro458=; no amino-acid change (proline 458 retained).
Molecular consequence: synonymous variant.
Genome position (GRCh38, 1-based): chr7:128,838,766, C>T. VCF-style: chr7-128838766-C-T. GRCh37 (hg19) VCF-style: chr7-128478820-C-T.
Other names: p.Pro458=; c.1374C>T, p.Pro458= (NM_001127487.2).
Identifiers: ClinVar variation 129079 (VCV000129079.30), dbSNP rs115140972, ClinGen allele CA152829.

ClinVar aggregate classification (germline): Benign. Review status: criteria provided, multiple submitters, no conflicts (2 of 4 stars). 13 submissions from 13 submitters: Benign (9). 4 of the submissions do not count toward it. Last evaluated 2026-02-03.

Conditions:
Distal myopathy with posterior leg and anterior hand involvement. Also called: WILLIAMS DISTAL MYOPATHY. Identifiers: Orphanet 63273, MedGen C3279722, MONDO:0013550, OMIM 614065.
Myofibrillar myopathy 5. Also called: Filaminopathy (type); FILAMINOPATHY, AUTOSOMAL DOMINANT. Identifiers: Orphanet 171445, MedGen C1836050, MONDO:0012289, OMIM 609524.
Hypertrophic cardiomyopathy 26. Also called: Cardiomyopathy, familial hypertrophic, 26. Identifiers: Orphanet 75249, MedGen C4310749, MONDO:0014883, OMIM 617047.
Cardiovascular phenotype. Identifiers: MedGen CN230736.
Cardiomyopathy (CMYO). Also called: Cardiomyopathies. Identifiers: Orphanet 167848, MedGen C0878544, MONDO:0004994, HP:0001638. Inheritance: Various modes of inheritance.

Allele frequency attached by ClinVar (database versions not stated): gnomAD exomes 0.00141 and 0.00354; ExAC 0.00466; gnomAD 0.01421 and 0.01514; ESP Exome Variant Server 0.01504; TOPMed 0.01680; 1000 Genomes Project 0.01897; 1000 Genomes Project 30x 0.02030.
gnomAD v4.1: 4,321 of 1,612,978 alleles (0.27%); highest among the groups gnomAD compares: African/African-American, 5.1%; 122 homozygotes.

Submissions (13):

Labcorp Genetics (formerly Invitae), Labcorp
Classification: Benign for Distal myopathy with posterior leg and anterior hand involvement; Myofibrillar myopathy 5; Hypertrophic cardiomyopathy 26. Last evaluated: 2026-02-03. Review status: criteria provided, single submitter. Criteria: Invitae Variant Classification Sherloc (09022015). Collection method: clinical testing. Allele origin: germline.

ARUP Laboratories, Molecular Genetics and Genomics, ARUP Laboratories
Classification: Benign. Last evaluated: 2025-07-08. Review status: criteria provided, single submitter. Criteria: ARUP Molecular Germline Variant Investigation Process 2024. Collection method: clinical testing. Allele origin: germline.

Molecular Diagnostic Laboratory for Inherited Cardiovascular Disease, Montreal Heart Institute
Classification: Benign. Last evaluated: 2025-04-09. Review status: criteria provided, single submitter. Criteria: ACMG Guidelines, 2015. Collection method: clinical testing. Allele origin: germline. Affected: no.

Mayo Clinic Laboratories, Mayo Clinic
Classification: Benign. Last evaluated: 2025-02-03. Review status: criteria provided, single submitter. Criteria: ACMG Guidelines, 2015. Collection method: clinical testing. Allele origin: germline. Observed: 28 variant alleles.
Comment: BA1, BS2, BP4, BP7

Women's Health and Genetics/Laboratory Corporation of America, LabCorp
Classification: Benign. Last evaluated: 2023-04-26. Review status: criteria provided, single submitter. Criteria: LabCorp Variant Classification Summary - May 2015. Collection method: clinical testing. Allele origin: germline.

CHEO Genetics Diagnostic Laboratory, Children's Hospital of Eastern Ontario
Classification: Benign for Cardiomyopathy. Last evaluated: 2022-11-09. Review status: criteria provided, single submitter. Criteria: ACMG Guidelines, 2015. Collection method: clinical testing. Allele origin: germline.

Ambry Genetics
Classification: Benign for Cardiovascular phenotype. Last evaluated: 2018-12-24. Review status: criteria provided, single submitter. Criteria: Ambry Variant Classification Scheme 2023. Collection method: clinical testing. Allele origin: germline.

GeneDx
Classification: Benign. Last evaluated: 2016-04-22. Review status: criteria provided, single submitter. Criteria: GeneDx Variant Classification (06012015). Collection method: clinical testing. Allele origin: germline. Affected: yes.
Comment: This variant is considered likely benign or benign based on one or more of the following criteria: it is a conservative change, it occurs at a poorly conserved position in the protein, it is predicted to be benign by multiple in silico algorithms, and/or has population frequency not consistent with disease.

Breakthrough Genomics
Classification: Benign. Review status: criteria provided, single submitter. Criteria: ACMG Guidelines, 2015. Collection method: not provided. Allele origin: germline. Inheritance: Autosomal dominant inheritance. Affected: yes.

Clinical Genetics, Academic Medical Center
Classification: Benign. Review status: no assertion criteria provided. Collection method: clinical testing. Allele origin: germline. Affected: yes. Study: VKGL Data-share Consensus. Not counted in ClinVar's aggregate classification.

Genetic Services Laboratory, University of Chicago
Classification: Likely benign for AllHighlyPenetrant. Review status: no assertion criteria provided. Collection method: clinical testing. Allele origin: germline. Inheritance: Autosomal dominant inheritance. Not counted in ClinVar's aggregate classification.
Comment: Likely benign based on allele frequency in 1000 Genomes Project or ESP global frequency and its presence in a patient with a rare or unrelated disease phenotype. NOT Sanger confirmed.

Joint Genome Diagnostic Labs from Nijmegen and Maastricht, Radboudumc and MUMC+
Classification: Benign. Review status: no assertion criteria provided. Collection method: clinical testing. Allele origin: germline. Affected: yes. Study: VKGL Data-share Consensus. Not counted in ClinVar's aggregate classification.

Laboratory of Diagnostic Genome Analysis, Leiden University Medical Center (LUMC)
Classification: Likely benign. Review status: no assertion criteria provided. Collection method: clinical testing. Allele origin: germline. Affected: yes. Study: VKGL Data-share Consensus. Not counted in ClinVar's aggregate classification.